The following is an entry in ClinVar:

ClinVar aggregate classification (germline): Conflicting classifications of pathogenicity. Review status: criteria provided, conflicting classifications (1 of 4 stars). 10 submissions from 10 submitters: Uncertain significance (5); Benign (1); Likely benign (2). 2 of the submissions do not count toward it. Last evaluated 2026-01-28.

Conditions:
Spastic paraplegia. Identifiers: MedGen C0037772, HP:0001258.
Hereditary spastic paraplegia. Also called: Familial spastic paraparesis. Identifiers: Orphanet 685, MedGen C0037773, MONDO:0019064. Disease mechanism: loss of function.
SACS-related disorder. Also called: SACS-related condition.
Charlevoix-Saguenay spastic ataxia (SACS). Also called: SPASTIC ATAXIA 6, AUTOSOMAL RECESSIVE; AUTOSOMAL RECESSIVE SPASTIC ATAXIA OF CHARLEVOIX-SAGUENAY; Spastic ataxia of Charlevoix-Saguenay. Identifiers: Orphanet 98, MedGen C1849140, MONDO:0010041, OMIM 270550.

Allele frequency attached by ClinVar (database versions not stated): TOPMed 0.00138; 1000 Genomes Project 0.00160; 1000 Genomes Project 30x 0.00187; ESP Exome Variant Server 0.00208.
gnomAD v4.1: 360 of 1,613,992 alleles (0.022%); highest among the groups gnomAD compares: African/African-American, 0.44%; no homozygotes.

Submissions (10):

Labcorp Genetics (formerly Invitae), Labcorp
Classification: Likely benign for Spastic paraplegia. Last evaluated: 2026-01-28. Review status: criteria provided, single submitter. Criteria: Invitae Variant Classification Sherloc (09022015). Collection method: clinical testing. Allele origin: germline.

Mayo Clinic Laboratories, Mayo Clinic
Classification: Uncertain significance. Last evaluated: 2025-06-18. Review status: criteria provided, single submitter. Criteria: ACMG Guidelines, 2015. Collection method: clinical testing. Allele origin: germline. Observed: 5 variant alleles.
Comment: BS1, PP3

Fulgent Genetics
Classification: Uncertain significance for Charlevoix-Saguenay spastic ataxia. Last evaluated: 2024-06-04. Review status: criteria provided, single submitter. Criteria: ACMG Guidelines, 2015. Collection method: clinical testing. Allele origin: germline.

MGZ Medical Genetics Center
Classification: Uncertain significance for Charlevoix-Saguenay spastic ataxia. Last evaluated: 2022-02-26. Review status: criteria provided, single submitter. Criteria: ACMG Guidelines, 2015. Collection method: clinical testing. Allele origin: germline. Affected: yes. Observed: 2 variant alleles.
Comment: ACMG criteria applied: PP3, BS1

Genome-Nilou Lab
Classification: Likely benign for Charlevoix-Saguenay spastic ataxia. Last evaluated: 2021-09-05. Review status: criteria provided, single submitter. Criteria: ACMG Guidelines, 2015. Collection method: clinical testing. Allele origin: germline. Affected: no.

Athena Diagnostics
Classification: Benign. Last evaluated: 2021-02-26. Review status: criteria provided, single submitter. Criteria: Athena Diagnostics criteria. Collection method: clinical testing. Allele origin: unknown.

Illumina Laboratory Services, Illumina
Classification: Uncertain significance for Charlevoix-Saguenay spastic ataxia. Last evaluated: 2018-01-13. Review status: criteria provided, single submitter. Criteria: ICSL Variant Classification Criteria 13 December 2019. Collection method: clinical testing. Allele origin: germline.

Genome Diagnostics Laboratory, The Hospital for Sick Children
Classification: Uncertain significance for Hereditary spastic paraplegia. Last evaluated: 2017-05-29. Review status: criteria provided, single submitter. Criteria: ACMG Guidelines, 2015. Collection method: clinical testing. Allele origin: germline. Affected: yes.

PreventionGenetics, part of Exact Sciences
Classification: Likely benign for SACS-related condition. Last evaluated: 2022-06-27. Review status: no assertion criteria provided. Collection method: clinical testing. Allele origin: germline. Not counted in ClinVar's aggregate classification.
Comment: This variant is classified as likely benign based on ACMG/AMP sequence variant interpretation guidelines (Richards et al. 2015 PMID: 25741868, with internal and published modifications).

Department of Pathology and Laboratory Medicine, Sinai Health System
Classification: Uncertain significance. Review status: no assertion criteria provided. Collection method: clinical testing. Allele origin: unknown. Affected: yes. Study: The Canadian Open Genetics Repository (COGR). Not counted in ClinVar's aggregate classification.
Comment: The SACS p.Arg976Ser variant was not identified in the literature nor was it identified in Cosmic or LOVD 3.0. The variant was identified in dbSNP (ID: rs139993038) and ClinVar (classified as a VUS by Athena Diagnostics Inc). The variant was also identified in control databases in 110 of 282716 chromosomes at a frequency of 0.000389 increasing the likelihood this could be a low frequency benign variant (Genome Aggregation Database Feb 27, 2017). The variant was observed in the following populations: African in 105 of 24960 chromosomes (freq: 0.004207), Latino in 4 of 35424 chromosomes (freq: 0.000113) and European (non-Finnish) in 1 of 129084 chromosomes (freq: 0.000008), while the variant was not observed in the Ashkenazi Jewish, East Asian, European (Finnish), Other, and South Asian populations. The p.Arg976 residue is conserved across mammals and other organisms, and four out of five computational analyses (PolyPhen-2, SIFT, BLOSUM, MutationTaster) suggest that the variant may impact the protein; however, this information is not predictive enough to assume pathogenicity. The variant occurs outside of the splicing consensus sequence and in silico or computational prediction software programs (SpliceSiteFinder, MaxEntScan, NNSPLICE, GeneSplicer) do not predict a difference in splicing. In summary, based on the above information the clinical significance of this variant cannot be determined with certainty at this time. This variant is classified as a variant of uncertain significance.

NM_014363.6(SACS):c.2926C>A (p.Arg976Ser)

Gene: SACS (sacsin molecular chaperone; minus strand). Cytogenetic location: 13q12.12.
Variant type: single nucleotide variant.
Coding change: c.2926C>A on transcript NM_014363.6 (MANE Select); coding-DNA position 2926, C replaced by A.
Protein change: p.Arg976Ser; replaces arginine 976 with serine.
Molecular consequence: missense variant.
Genome position (GRCh38, 1-based): chr13:23,340,950, G>T on the plus strand (C>A on the coding strand, the complement: SACS is on the minus strand). VCF-style: chr13-23340950-G-T. GRCh37 (hg19) VCF-style: chr13-23915089-G-T.
Other names: c.2485C>A, p.Arg829Ser (NM_001278055.2); short protein forms R976S, R829S.
Identifiers: ClinVar variation 448199 (VCV000448199.30), dbSNP rs139993038, ClinGen allele CA6911590.